The following is an entry in ClinVar:

ClinVar aggregate classification (germline): Likely benign (0 of 4 stars; one submission).

Conditions:
ANO6-related disorder. Also called: ANO6-related condition.

Submission:

PreventionGenetics, part of Exact Sciences
Classification: Likely benign for ANO6-related condition. Last evaluated: 2024-05-12. Review status: no assertion criteria provided. Collection method: clinical testing. Allele origin: germline.
Comment: This variant is classified as likely benign based on ACMG/AMP sequence variant interpretation guidelines (Richards et al. 2015 PMID: 25741868, with internal and published modifications).

NM_001142679.2(ANO6):c.2670C>T (p.Asp890=)

Gene: ANO6 (anoctamin 6; plus strand). Cytogenetic location: 12q12.
Variant type: single nucleotide variant.
Coding change: c.2670C>T on transcript NM_001142679.2; coding-DNA position 2670, C replaced by T.
Protein change: p.Asp890=; no amino-acid change (aspartic acid 890 retained).
Molecular consequence: synonymous variant.
Genome position (GRCh38, 1-based): chr12:45,439,818, C>T. VCF-style: chr12-45439818-C-T. GRCh37 (hg19) VCF-style: chr12-45833601-C-T.
Identifiers: ClinVar variation 3348165 (VCV003348165.1).